The following is an entry in ClinVar:

ClinVar aggregate classification (germline): Uncertain significance (1 of 4 stars; one submission).

Submission:

Labcorp Genetics (formerly Invitae), Labcorp
Classification: Uncertain significance. Last evaluated: 2024-02-17. Review status: criteria provided, single submitter. Criteria: Invitae Variant Classification Sherloc (09022015). Collection method: clinical testing. Allele origin: germline.
Comment: This sequence change falls in intron 9 of the SLC20A2 gene. It does not directly change the encoded amino acid sequence of the SLC20A2 protein. It affects a nucleotide within the consensus splice site. This variant is not present in population databases (gnomAD no frequency). This variant has not been reported in the literature in individuals affected with SLC20A2-related conditions. ClinVar contains an entry for this variant (Variation ID: 2018358). Variants that disrupt the consensus splice site are a relatively common cause of aberrant splicing (PMID: 17576681, 9536098). Algorithms developed to predict the effect of sequence changes on RNA splicing suggest that this variant is not likely to affect RNA splicing. In summary, the available evidence is currently insufficient to determine the role of this variant in disease. Therefore, it has been classified as a Variant of Uncertain Significance.

Literature cited by the submitters: PubMed 17576681; PubMed 9536098.

NM_001257180.2(SLC20A2):c.1709+5G>T

Gene: SLC20A2 (solute carrier family 20 member 2; minus strand). Cytogenetic location: 8p11.21.
Variant type: single nucleotide variant.
Coding change: c.1709+5G>T on transcript NM_001257180.2 (MANE Select); 5 bases into the intron after coding-DNA position 1709, G replaced by T.
Molecular consequence: intron variant.
Genome position (GRCh38, 1-based): chr8:42,430,059, C>A on the plus strand (G>T on the coding strand, the complement: SLC20A2 is on the minus strand). VCF-style: chr8-42430059-C-A. GRCh37 (hg19) VCF-style: chr8-42287577-C-A.
Other names: c.1709+5G>T (NM_006749.5, NM_001257181.2).
Identifiers: ClinVar variation 2018358 (VCV002018358.4), dbSNP rs2487095355, ClinGen allele CA2580078309.